The following is an entry in ClinVar:

ClinVar aggregate classification (germline): Conflicting classifications of pathogenicity. Review status: criteria provided, conflicting classifications (1 of 4 stars). 2 submissions from 2 submitters: Uncertain significance (1); Likely benign (1). Last evaluated 2025-07-30.

Conditions:
Fanconi anemia (FA). Also called: Fanconi's anemia. Identifiers: Orphanet 84, MedGen C0015625, MeSH D005199, MONDO:0019391.

Submissions (2):

Labcorp Genetics (formerly Invitae), Labcorp
Classification: Likely benign for Fanconi anemia. Last evaluated: 2025-07-30. Review status: criteria provided, single submitter. Criteria: Invitae Variant Classification Sherloc (09022015). Collection method: clinical testing. Allele origin: germline.

Genetic Services Laboratory, University of Chicago
Classification: Uncertain significance. Last evaluated: 2021-08-24. Review status: criteria provided, single submitter. Criteria: ACMG Guidelines, 2015. Collection method: clinical testing. Allele origin: germline. Affected: no.
Comment: DNA sequence analysis of the FANCI gene demonstrated a single base pair duplication in intron 28, c.3059-4dup. This change does not appear to have been previously described in patients with FANCI-related disorders and has been described in the gnomAD with a low population frequency of 0.0012% (dbSNP rs1317953100). This sequence change is not clearly predicted to have a deleterious effect on splicing based on in silico splice prediction programs. The functional significance of this sequence change is not known at present and its contribution to this patient's disease phenotype cannot definitively be determined.

NM_001113378.2(FANCI):c.3059-4dup

Gene: FANCI (FA complementation group I; plus strand). Cytogenetic location: 15q26.1.
Variant type: Duplication.
Coding change: c.3059-4dup on transcript NM_001113378.2 (MANE Select); 4 bases into the intron before coding-DNA position 3059, one base duplicated (C; older notation c.3059-4dupC).
Molecular consequence: intron variant.
Genome position (GRCh38, 1-based): chr15:89,305,111, C duplicated; the last of 2 consecutive C bases (chr15:89,305,110-89,305,111); duplicating either gives the same sequence. VCF-style (leftmost placement, unchanged base first): chr15-89305109-T-TC. GRCh37 (hg19) VCF-style: chr15-89848340-T-TC.
Other names: c.2879-4dup (NM_018193.3); c.3059-4dup (NM_001376911.1); c.2780-4dup (NM_001376910.1).
Identifiers: ClinVar variation 1338075 (VCV001338075.11), dbSNP rs1317953100, ClinGen allele CA619508718.
Genomic context (GRCh38, chr15:89,305,109, plus strand): 5'-TACAGGCGTGAGCCACTGCACTTGGCCACAACTTACCTTTTAATTTGCTTTTCTTCCTAT[T>TC]CCTAGAGGATGCCTTGTTTTGCAAGAGCTTGATGAACTTGCTCTTCAGCCTGCATGTTTC-3'